The following is an entry in ClinVar:

NM_030957.4(ADAMTS10):c.203C>T (p.Thr68Met)

Gene: ADAMTS10 (ADAM metallopeptidase with thrombospondin type 1 motif 10; minus strand). Cytogenetic location: 19p13.2.
Variant type: single nucleotide variant.
Coding change: c.203C>T on transcript NM_030957.4 (MANE Select); coding-DNA position 203, C replaced by T.
Protein change: p.Thr68Met; replaces threonine 68 with methionine.
Molecular consequence: missense variant.
Genome position (GRCh38, 1-based): chr19:8,605,244, G>A on the plus strand (C>T on the coding strand, the complement: ADAMTS10 is on the minus strand). VCF-style: chr19-8605244-G-A. GRCh37 (hg19) VCF-style: chr19-8670129-G-A.
Other names: c.203C>T (NM_030957.2); short protein forms T68M.
Identifiers: ClinVar variation 1474171 (VCV001474171.4), dbSNP rs782813134, ClinGen allele CA9160902.

ClinVar aggregate classification (germline): Uncertain significance. Review status: criteria provided, multiple submitters, no conflicts (2 of 4 stars). 2 submissions from 2 submitters: Uncertain significance (2). Last evaluated 2021-10-07.

Conditions:
Inborn genetic diseases. Identifiers: MedGen C0950123, MeSH D030342.

Allele frequency attached by ClinVar (database versions not stated): ExAC 0.00001; gnomAD 0.00001; gnomAD exomes 0.00001 and 0.00002; TOPMed 0.00003.
gnomAD v4.1: 19 of 1,613,150 alleles (0.0012%); highest among the groups gnomAD compares: Admixed American, 0.0067%; no homozygotes.

Submissions (2):

Labcorp Genetics (formerly Invitae), Labcorp
Classification: Uncertain significance. Last evaluated: 2021-10-07. Review status: criteria provided, single submitter. Criteria: Invitae Variant Classification Sherloc (09022015). Collection method: clinical testing. Allele origin: germline.
Comment: This sequence change replaces threonine with methionine at codon 68 of the ADAMTS10 protein (p.Thr68Met). The threonine residue is moderately conserved and there is a moderate physicochemical difference between threonine and methionine. This variant is present in population databases (rs782813134, ExAC 0.007%). This variant has not been reported in the literature in individuals affected with ADAMTS10-related conditions. Algorithms developed to predict the effect of missense changes on protein structure and function (SIFT, PolyPhen-2, Align-GVGD) all suggest that this variant is likely to be tolerated. In summary, the available evidence is currently insufficient to determine the role of this variant in disease. Therefore, it has been classified as a Variant of Uncertain Significance.

Ambry Genetics
Classification: Uncertain significance for Inborn genetic diseases. Last evaluated: 2021-05-13. Review status: criteria provided, single submitter. Criteria: Ambry Variant Classification Scheme 2023. Collection method: clinical testing. Allele origin: germline.